The following is an entry in ClinVar:

NM_014425.5(INVS):c.2604C>T (p.Ser868=)

Gene: INVS (inversin; plus strand). Cytogenetic location: 9q31.1.
Variant type: single nucleotide variant.
Coding change: c.2604C>T on transcript NM_014425.5 (MANE Select); coding-DNA position 2604, C replaced by T.
Protein change: p.Ser868=; no amino-acid change (serine 868 retained).
Molecular consequence: synonymous variant. On other transcripts: non-coding transcript variant (1).
Genome position (GRCh38, 1-based): chr9:100,292,861, C>T. VCF-style: chr9-100292861-C-T. GRCh37 (hg19) VCF-style: chr9-103055143-C-T.
Other names: c.2604C>T (NM_014425.4); c.2316C>T, p.Ser772= (NM_001318381.2); c.1626C>T, p.Ser542= (NM_001318382.2).
Identifiers: ClinVar variation 502530 (VCV000502530.16), dbSNP rs751765105, ClinGen allele CA5158661.

ClinVar aggregate classification (germline): Conflicting classifications of pathogenicity. Review status: criteria provided, conflicting classifications (1 of 4 stars). 4 submissions from 4 submitters: Uncertain significance (1); Benign (1); Likely benign (2). Last evaluated 2025-12-27.

Conditions:
INVS-related disorder. Also called: INVS-related condition.
Nephronophthisis. Also called: Juvenile Nephronophthisis. Identifiers: Orphanet 655, MedGen C0687120, MONDO:0019005, HP:0000090.

Allele frequency attached by ClinVar (database versions not stated): gnomAD 0.00003; gnomAD exomes 0.00005 and 0.00019; TOPMed 0.00007; ExAC 0.00012.
gnomAD v4.1: 68 of 1,614,022 alleles (0.0042%); highest among the groups gnomAD compares: Admixed American, 0.092%; 1 homozygote.

Submissions (4):

Labcorp Genetics (formerly Invitae), Labcorp
Classification: Benign for Nephronophthisis. Last evaluated: 2025-12-27. Review status: criteria provided, single submitter. Criteria: Invitae Variant Classification Sherloc (09022015). Collection method: clinical testing. Allele origin: germline.

PreventionGenetics, part of Exact Sciences
Classification: Likely benign for INVS-related condition. Last evaluated: 2025-06-13. Review status: criteria provided, single submitter. Criteria: ACMG Guidelines, 2015. Collection method: clinical testing. Allele origin: germline.
Comment: This variant is classified as likely benign based on ACMG/AMP sequence variant interpretation guidelines (Richards et al. 2015 PMID: 25741868, with internal and published modifications).

Blueprint Genetics
Classification: Likely benign. Last evaluated: 2022-11-17. Review status: criteria provided, single submitter. Criteria: ACMG Guidelines, 2015. Collection method: clinical testing. Allele origin: germline.

Eurofins Ntd Llc (ga)
Classification: Uncertain significance. Last evaluated: 2017-06-12. Review status: criteria provided, single submitter. Criteria: EGL Classification Definitions 2015. Collection method: clinical testing. Allele origin: germline. Observed: 1 variant allele, 1 heterozygote.